The following is an entry in ClinVar:

ClinVar aggregate classification (germline): Likely benign. Review status: criteria provided, multiple submitters, no conflicts (2 of 4 stars). 3 submissions from 3 submitters: Likely benign (2). 1 of the submissions does not count toward it. Last evaluated 2026-01-31.

Conditions:
Gorlin syndrome. Also called: Nevoid Basal Cell Carcinoma Syndrome; Basal cell nevus syndrome. Identifiers: Orphanet 377, MedGen C0004779, MONDO:0007187.
Hereditary cancer-predisposing syndrome. Also called: Hereditary neoplastic syndrome; Neoplastic Syndromes, Hereditary; Tumor predisposition; Hereditary Cancer Syndrome. Identifiers: Orphanet 140162, MedGen C0027672, MeSH D009386, MONDO:0015356.
PTCH1-related disorder. Also called: PTCH1-related disorders; PTCH1-related condition.

Allele frequency attached by ClinVar (database versions not stated): TOPMed 0.00001; ExAC 0.00002; gnomAD exomes 0.00002; gnomAD 0.00003 and 0.00004.
gnomAD v4.1: 39 of 1,611,458 alleles (0.0024%); highest among the groups gnomAD compares: African/African-American, 0.004%; no homozygotes.

Submissions (3):

Labcorp Genetics (formerly Invitae), Labcorp
Classification: Likely benign for Gorlin syndrome. Last evaluated: 2026-01-31. Review status: criteria provided, single submitter. Criteria: Invitae Variant Classification Sherloc (09022015). Collection method: clinical testing. Allele origin: germline.

Ambry Genetics
Classification: Likely benign for Hereditary cancer-predisposing syndrome. Last evaluated: 2024-01-22. Review status: criteria provided, single submitter. Criteria: Ambry Variant Classification Scheme 2023. Collection method: clinical testing. Allele origin: germline.

PreventionGenetics, part of Exact Sciences
Classification: Uncertain significance for PTCH1-related condition. Last evaluated: 2024-03-27. Review status: no assertion criteria provided. Collection method: clinical testing. Allele origin: germline. Not counted in ClinVar's aggregate classification.
Comment: The PTCH1 c.142G>T variant is predicted to result in the amino acid substitution p.Asp48Tyr. To our knowledge, this variant has not been reported in the literature. This variant is reported in 0.0083% of alleles in individuals of African descent in gnomAD. At this time, the clinical significance of this variant is uncertain due to the absence of conclusive functional and genetic evidence.

NM_000264.5(PTCH1):c.142G>T (p.Asp48Tyr)

Genes: PTCH1 (patched 1; minus strand), LOC130002133 (ATAC-STARR-seq lymphoblastoid silent region 20071; plus strand). Cytogenetic location: 9q22.32.
Variant type: single nucleotide variant.
Coding change: c.142G>T on transcript NM_000264.5 (MANE Select); coding-DNA position 142, G replaced by T.
Protein change: p.Asp48Tyr; replaces aspartic acid 48 with tyrosine.
Molecular consequence: missense variant. On other transcripts: non-coding transcript variant (1), intron variant (3).
Genome position (GRCh38, 1-based): chr9:95,508,220, C>A on the plus strand (G>T on the coding strand, the complement: PTCH1 is on the minus strand). VCF-style: chr9-95508220-C-A. GRCh37 (hg19) VCF-style: chr9-98270502-C-A.
Other names: c.142G>T, p.Asp48Tyr (NM_001354918.2); c.199-1621G>T (NM_001083603.3); c.4-1621G>T (NM_001083602.3, NM_001354919.2); short protein forms D48Y.
Identifiers: ClinVar variation 409195 (VCV000409195.17), dbSNP rs745685305, ClinGen allele CA5139037.
Genomic context (GRCh38, chr9:95,508,220, plus strand): 5'-CCTTGGAAATCTGCTCCAGAGCGAAGGCGGCGTCGCAGTAGCTGGGCCGGTGCAGATAGT[C>A]CCGGTCCGGCGCGGCAGCACGGCGCAGCCCCCCCGTCCGTCTGCGCCTCCCGCCTCCAGC-3'
Protein context (NP_000255.2, residues 38-58): GLRRAAAPDR[Asp48Tyr]YLHRPSYCDA